The following is an entry in ClinVar:

ClinVar aggregate classification (germline): Likely pathogenic (1 of 4 stars; one submission).

Conditions:
Acyl-CoA dehydrogenase 9 deficiency. Also called: MITOCHONDRIAL COMPLEX I DEFICIENCY, NUCLEAR TYPE 20; Acyl-CoA dehydrogenase family, member 9, deficiency of. Identifiers: Orphanet 99901, MedGen C4747517, MONDO:0012624, OMIM 611126.

Allele frequency attached by ClinVar (database versions not stated): gnomAD exomes below 0.00001; TOPMed below 0.00001; ExAC 0.00001.
gnomAD v4.1: 1 of 1,614,042 alleles (0.000062%); highest among the groups gnomAD compares: Non-Finnish European, 0.000085%; no homozygotes.

Submission:

Natera, Inc.
Classification: Likely pathogenic for ACAD9 deficiency. Last evaluated: 2025-12-09. Review status: criteria provided, single submitter. Criteria: Natera Variant Classification Schema (03/2026). Collection method: clinical testing. Allele origin: germline.
Comment: The c.1690G>A variant in ACAD9 is a missense variant predicted to cause substitution of glutamic acid to lysine at amino acid 564. This variant is rare in the general population with a frequency below the threshold expected for the associated phenotype(s). This variant has been observed in one or more individuals affected with the associated recessive disease, as either homozygous or compound heterozygous with a second variant (PMID: 30025539). This variant has been identified in one or more affected individuals with a phenotype highly consistent with the associated gene (PMID:30025539). Computational prediction algorithms indicate this variant is likely to affect gene or protein function. Given the available evidence, this variant is classified as Likely Pathogenic.

Literature cited by the submitters: PubMed 30025539.

NM_014049.5(ACAD9):c.1690G>A (p.Glu564Lys)

Genes: ACAD9 (acyl-CoA dehydrogenase family member 9; plus strand), CFAP92 (cilia and flagella associated protein 92 (putative); minus strand). Cytogenetic location: 3q21.3.
Variant type: single nucleotide variant.
Coding change: c.1690G>A on transcript NM_014049.5 (MANE Select); coding-DNA position 1690, G replaced by A.
Protein change: p.Glu564Lys; replaces glutamic acid 564 with lysine.
Molecular consequence: missense variant. On other transcripts: non-coding transcript variant (1), 3 prime UTR variant (3).
Genome position (GRCh38, 1-based): chr3:128,910,147, G>A. VCF-style: chr3-128910147-G-A. GRCh37 (hg19) VCF-style: chr3-128628990-G-A.
Other names: c.1321G>A, p.Glu441Lys (NM_001410805.1); c.*152C>T (NM_001348520.2, NM_001348521.2, NM_001394090.1); c.1690G>A (NM_014049.4); short protein forms E441K, E564K.
Identifiers: ClinVar variation 3240684 (VCV003240684.3), dbSNP rs780654152.
Genomic context (GRCh38, chr3:128,910,147, plus strand): 5'-ACGGCCGTGCTGTCGCGGGCCAGCCGCTCCATCCGCATTGGGCTCCGCAACCACGACCAC[G>A]AGGTGAGCCCAGCCCAGCCTCACACAGGGCCTGGCTGCTGCCATCTGTCCTGCTGCACTT-3'
Protein context (NP_054768.2, residues 554-574): IRIGLRNHDH[Glu564Lys]VLLANTFCVE